The following is an entry in ClinVar:

NM_130839.5(UBE3A):c.1620C>T (p.Ile540=)

Genes: SNHG14 (small nucleolar RNA host gene 14; plus strand), UBE3A (ubiquitin protein ligase E3A; minus strand). Cytogenetic location: 15q11.2.
Variant type: single nucleotide variant.
Coding change: c.1620C>T on transcript NM_130839.5 (MANE Select); coding-DNA position 1620, C replaced by T.
Protein change: p.Ile540=; no amino-acid change (isoleucine 540 retained).
Molecular consequence: synonymous variant. On other transcripts: non-coding transcript variant (1).
Genome position (GRCh38, 1-based): chr15:25,360,516, G>A on the plus strand (C>T on the coding strand, the complement: UBE3A is on the minus strand). VCF-style: chr15-25360516-G-A. GRCh37 (hg19) VCF-style: chr15-25605663-G-A.
Other names: NM_130839.5(UBE3A):c.1620C>T; p.Ile540=; c.1629C>T, p.Ile543= (NM_000462.5); c.1620C>T, p.Ile540= (NM_001354505.1, NM_001354538.2, NM_001354545.2); c.1560C>T, p.Ile520= (NM_001354506.2, NM_001354507.2, NM_001354508.2 and 17 more transcripts); c.1443C>T, p.Ile481= (NM_001354546.2); c.369C>T, p.Ile123= (NM_001354550.2); c.309C>T, p.Ile103= (NM_001354551.2).
Identifiers: ClinVar variation 390176 (VCV000390176.19), dbSNP rs1057523671, ClinGen allele CA16606897.

ClinVar aggregate classification (germline): Likely benign. Review status: reviewed by expert panel (3 of 4 stars). 4 submissions from 4 submitters: Likely benign (1). 3 of the submissions do not count toward it. Last evaluated 2025-05-07.

Conditions:
Angelman syndrome (AS). Also called: HAPPY PUPPET SYNDROME. Identifiers: Orphanet 72, MedGen C0162635, MONDO:0007113, OMIM 105830. Disease mechanism: loss of function. Inheritance: imprinting disorder, AS is caused by disruption of maternally imprinted UBE3A located within the 15q11.2-q13 Angelman syndrome/Prader-Willi syndrome (AS/PWS) region..

gnomAD v4.1: 9 of 1,613,434 alleles (0.00056%); highest among the groups gnomAD compares: African/African-American, 0.0013%; no homozygotes.

Submissions (4):

ClinGen Rett and Angelman-like Disorders Variant Curation Expert Panel
Classification: Likely benign for Angelman syndrome. Last evaluated: 2025-05-07. Review status: reviewed by expert panel. Criteria: ClinGen RettAS ACMG Specifications UBE3A V5.0.0. Collection method: curation. Allele origin: germline. Inheritance: Autosomal dominant inheritance.
Comment: The c.1560C>T p.Ile520= variant in UBE3A (NM_130838.2) is absent from gnomAD v4.1 (PM2_Supporting). However, the p.Ile520= variant is observed in at least 4 unaffected individuals (GeneDx internal database) (BS2). The silent p.Ile520= variant is not predicted to affect splicing using multiple computational tools and does not affect a highly conserved nucleotide (BP4, BP7). In summary, this variant meets the criteria to be classified as likely benign. Although there are both pathogenic and benign types of evidence for this variant, the pathogenic evidence is not considered inconsistent with the final classification. ACMG/AMP criteria applied, as specified by the ClinGen Rett/Angelman-like expert panel: BS2, BP4, BP7. (UBE3A Specification v5.0; curation approved on [5/7/2025])

Labcorp Genetics (formerly Invitae), Labcorp
Classification: Likely benign for Angelman syndrome. Last evaluated: 2025-04-14. Review status: criteria provided, single submitter. Criteria: Invitae Variant Classification Sherloc (09022015). Collection method: clinical testing. Allele origin: germline. Not counted in ClinVar's aggregate classification.

Genetic Services Laboratory, University of Chicago
Classification: Uncertain significance. Last evaluated: 2017-03-03. Review status: criteria provided, single submitter. Criteria: ACMG Guidelines, 2015. Collection method: clinical testing. Allele origin: germline. Affected: no. Not counted in ClinVar's aggregate classification.

GeneDx
Classification: Likely benign. Last evaluated: 2016-10-21. Review status: criteria provided, single submitter. Criteria: GeneDx Variant Classification (06012015). Collection method: clinical testing. Allele origin: germline. Affected: yes. Not counted in ClinVar's aggregate classification.
Comment: This variant is considered likely benign or benign based on one or more of the following criteria: it is a conservative change, it occurs at a poorly conserved position in the protein, it is predicted to be benign by multiple in silico algorithms, and/or has population frequency not consistent with disease.